The following is an entry in ClinVar:

NM_000051.4(ATM):c.6188G>C (p.Gly2063Ala)

Genes: ATM (ATM serine/threonine kinase; plus strand), C11orf65 (chromosome 11 open reading frame 65; minus strand). Cytogenetic location: 11q22.3.
Variant type: single nucleotide variant.
Coding change: c.6188G>C on transcript NM_000051.4 (MANE Select); coding-DNA position 6188, G replaced by C.
Protein change: p.Gly2063Ala; replaces glycine 2063 with alanine.
Molecular consequence: missense variant. On other transcripts: intron variant (2).
Genome position (GRCh38, 1-based): chr11:108,316,103, G>C. VCF-style: chr11-108316103-G-C. GRCh37 (hg19) VCF-style: chr11-108186830-G-C.
Other names: c.6188G>C, p.Gly2063Ala (NM_001351834.2); c.641-7032C>G (NM_001330368.2); c.*39-7032C>G (NM_001351110.2); short protein forms G2063A.
Identifiers: ClinVar variation 478971 (VCV000478971.11), dbSNP rs866290641, ClinGen allele CA382550766.
Genomic context (GRCh38, chr11:108,316,103, plus strand): 5'-GCAAAGCCCTAGTAACATATGACCTCGAAACAGCAATCCCCTCATCAACACGCCAGGCAG[G>C]AATCATTCAGGTACATTTTTTCCCAGATTTGGTAAAGCCATCACTAGTGTAGTGCTGAGG-3'
Protein context (NP_000042.3, residues 2053-2073): TAIPSSTRQA[Gly2063Ala]IIQALQNLGL

ClinVar aggregate classification (germline): Uncertain significance. Review status: criteria provided, multiple submitters, no conflicts (2 of 4 stars). 3 submissions from 3 submitters: Uncertain significance (3). Last evaluated 2025-03-09.

Conditions:
Hereditary cancer-predisposing syndrome. Also called: Neoplastic Syndromes, Hereditary; Hereditary Cancer Syndrome; Tumor predisposition; Hereditary neoplastic syndrome. Identifiers: Orphanet 140162, MedGen C0027672, MeSH D009386, MONDO:0015356.
Ataxia-telangiectasia syndrome (AT). Also called: LOUIS-BAR SYNDROME; Cerebello-oculocutaneous telangiectasia; Immunodeficiency with ataxia telangiectasia; Ataxia-telangiectasia, complementation group D; AT, COMPLEMENTATION GROUP C; Ataxia-telangiectasia, complementation group E. Identifiers: Orphanet 100, MedGen C0004135, MONDO:0008840, OMIM 208900.

Allele frequency attached by ClinVar (database versions not stated): TOPMed below 0.00001.

Submissions (3):

Labcorp Genetics (formerly Invitae), Labcorp
Classification: Uncertain significance for Ataxia-telangiectasia syndrome. Last evaluated: 2025-03-09. Review status: criteria provided, single submitter. Criteria: Invitae Variant Classification Sherloc (09022015). Collection method: clinical testing. Allele origin: germline.
Comment: This sequence change replaces glycine, which is neutral and non-polar, with alanine, which is neutral and non-polar, at codon 2063 of the ATM protein (p.Gly2063Ala). This variant is not present in population databases (gnomAD no frequency). This variant has not been reported in the literature in individuals affected with ATM-related conditions. ClinVar contains an entry for this variant (Variation ID: 478971). Invitae Evidence Modeling of protein sequence and biophysical properties (such as structural, functional, and spatial information, amino acid conservation, physicochemical variation, residue mobility, and thermodynamic stability) indicates that this missense variant is not expected to disrupt ATM protein function with a negative predictive value of 95%. This variant disrupts the p.Gly2063 amino acid residue in ATM. Other variant(s) that disrupt this residue have been determined to be pathogenic (PMID: 10873394, 14654357, 18634022, 31050087). This suggests that this residue is clinically significant, and that variants that disrupt this residue are likely to be disease-causing. In summary, the available evidence is currently insufficient to determine the role of this variant in disease. Therefore, it has been classified as a Variant of Uncertain Significance.

Ambry Genetics
Classification: Uncertain significance for Hereditary cancer-predisposing syndrome. Last evaluated: 2019-06-13. Review status: criteria provided, single submitter. Criteria: Ambry Variant Classification Scheme 2023. Collection method: clinical testing. Allele origin: germline.
Comment: The p.G2063A variant (also known as c.6188G>C), located in coding exon 41 of the ATM gene, results from a G to C substitution at nucleotide position 6188. The glycine at codon 2063 is replaced by alanine, an amino acid with similar properties. A different alteration at this position, p.G2063E, was reported in the homozygous state in two individuals with a clinical diagnosis of ataxia-telangiectasia who were reported to have decreased levels of ATM protein; however, functional studies using expression constructs of A-T lymphoplastoid cell lines found normal levels of ATM protein and functional radiation induced kinase activity (Becker-Catania SG et al. Mol. Genet. Metab. 2000 Jun;70(2):122-33; Mitui M, Hum. Mutat. 2009 Jan;30(1):12-21). This amino acid position is highly conserved in available vertebrate species. In addition, the in silico prediction by BayesDel for this alteration is inconclusive. Since supporting evidence is limited at this time, the clinical significance of this alteration remains unclear.

Color Diagnostics, LLC DBA Color Health
Classification: Uncertain significance for Hereditary cancer-predisposing syndrome. Last evaluated: 2019-05-10. Review status: criteria provided, single submitter. Criteria: ACMG Guidelines, 2015. Collection method: clinical testing. Allele origin: germline.

Literature cited by the submitters: PubMed 10873394 (cited by Labcorp Genetics (formerly Invitae), Labcorp and Ambry Genetics); PubMed 14654357 (cited by Labcorp Genetics (formerly Invitae), Labcorp); PubMed 18634022 (cited by Labcorp Genetics (formerly Invitae), Labcorp and Ambry Genetics); PubMed 31050087 (cited by Labcorp Genetics (formerly Invitae), Labcorp).